The following is an entry in ClinVar:

ClinVar aggregate classification (germline): Benign (1 of 4 stars; one submission).

Allele frequency attached by ClinVar (database versions not stated): gnomAD 0.10494 and 0.11452; TOPMed 0.12101; 1000 Genomes Project 30x 0.20034; 1000 Genomes Project 0.20607.
gnomAD v4.1: 17,467 of 152,240 alleles (11%); highest among the groups gnomAD compares: South Asian, 32%; 1,292 homozygotes.

Submission:

GeneDx
Classification: Benign. Last evaluated: 2018-06-14. Review status: criteria provided, single submitter. Criteria: GeneDx Variant Classification (06012015). Collection method: clinical testing. Allele origin: germline. Affected: yes.
Comment: This variant is considered likely benign or benign based on one or more of the following criteria: it is a conservative change, it occurs at a poorly conserved position in the protein, it is predicted to be benign by multiple in silico algorithms, and/or has population frequency not consistent with disease.

NM_012233.3(RAB3GAP1):c.1067-229T>C

Gene: RAB3GAP1 (RAB3 GTPase activating protein catalytic subunit 1; plus strand). Cytogenetic location: 2q21.3.
Variant type: single nucleotide variant.
Coding change: c.1067-229T>C on transcript NM_012233.3 (MANE Select); 229 bases into the intron before coding-DNA position 1067, T replaced by C.
Molecular consequence: intron variant.
Genome position (GRCh38, 1-based): chr2:135,130,323, T>C. VCF-style: chr2-135130323-T-C. GRCh37 (hg19) VCF-style: chr2-135887893-T-C.
Other names: c.1067-229T>C (NM_001172435.2).
Identifiers: ClinVar variation 668609 (VCV000668609.1), dbSNP rs2305595, ClinGen allele CA15191533.